The following is an entry in ClinVar:

ClinVar aggregate classification (germline): Pathogenic (1 of 4 stars; one submission).

Submission:

Labcorp Genetics (formerly Invitae), Labcorp
Classification: Pathogenic. Last evaluated: 2022-05-04. Review status: criteria provided, single submitter. Criteria: Invitae Variant Classification Sherloc (09022015). Collection method: clinical testing. Allele origin: germline.
Comment: This sequence change creates a premature translational stop signal (p.Ala435Glnfs*8) in the LPL gene. It is expected to result in an absent or disrupted protein product. Loss-of-function variants in LPL are known to be pathogenic (PMID: 11334614). This variant is not present in population databases (gnomAD no frequency). This variant has not been reported in the literature in individuals affected with LPL-related conditions. For these reasons, this variant has been classified as Pathogenic.

Literature cited by the submitters: PubMed 11334614.

NM_000237.3(LPL):c.1302del (p.Ala435fs)

Gene: LPL (lipoprotein lipase; plus strand). Cytogenetic location: 8p21.3.
Variant type: Deletion.
Coding change: c.1302del on transcript NM_000237.3 (MANE Select); coding-DNA position 1302, one base deleted (A; older notation c.1302delA).
Protein change: p.Ala435fs; shifts the reading frame from alanine 435.
Molecular consequence: frameshift variant.
Genome position (GRCh38, 1-based): chr8:19,961,063, A deleted; the last of 4 consecutive A bases (chr8:19,961,060-19,961,063); deleting any one gives the same sequence. VCF-style (leftmost placement, unchanged base first): chr8-19961059-TA-T. GRCh37 (hg19) VCF-style: chr8-19818570-TA-T.
Other names: short protein forms A435fs.
Identifiers: ClinVar variation 2133466 (VCV002133466.4), dbSNP rs2540111558, ClinGen allele CA2580078044.
Genomic context (GRCh38, chr8:19,961,059, plus strand): 5'-CATACTTTAGCTGGTCAGACTGGTGGAGCAGTCCCGGCTTCGCCATTCAGAAGATCAGAG[TA>T]AAAGCAGGAGAGACTCAGAAAAAGTAATTAAATGTATTTTTCTTCCTTCACTTTAGACCC-3'